The following is an entry in ClinVar:

NM_152594.3(SPRED1):c.374A>G (p.Gln125Arg)

Gene: SPRED1 (sprouty related EVH1 domain containing 1; plus strand). Cytogenetic location: 15q14.
Variant type: single nucleotide variant.
Coding change: c.374A>G on transcript NM_152594.3 (MANE Select); coding-DNA position 374, A replaced by G.
Protein change: p.Gln125Arg; replaces glutamine 125 with arginine.
Molecular consequence: missense variant.
Genome position (GRCh38, 1-based): chr15:38,322,407, A>G. VCF-style: chr15-38322407-A-G. GRCh37 (hg19) VCF-style: chr15-38614608-A-G.
Other names: short protein forms Q125R.
Identifiers: ClinVar variation 3229268 (VCV003229268.1), dbSNP rs2542696023, ClinGen allele CA391932259.

ClinVar aggregate classification (germline): Uncertain significance (1 of 4 stars; one submission).

Conditions:
Cardiovascular phenotype. Identifiers: MedGen CN230736.

Submission:

Ambry Genetics
Classification: Uncertain significance for Cardiovascular phenotype. Last evaluated: 2024-03-09. Review status: criteria provided, single submitter. Criteria: Ambry Variant Classification Scheme 2023. Collection method: clinical testing. Allele origin: germline.
Comment: The p.Q125R variant (also known as c.374A>G), located in coding exon 3 of the SPRED1 gene, results from an A to G substitution at nucleotide position 374. The glutamine at codon 125 is replaced by arginine, an amino acid with highly similar properties. This amino acid position is conserved. In addition, the in silico prediction for this alteration is inconclusive. Based on the available evidence, the clinical significance of this alteration remains unclear.